The following is an entry in ClinVar:

NM_006736.6(DNAJB2):c.41C>T (p.Ala14Val)

Gene: DNAJB2 (DnaJ heat shock protein family (Hsp40) member B2; plus strand). Cytogenetic location: 2q35.
Variant type: single nucleotide variant.
Coding change: c.41C>T on transcript NM_006736.6 (MANE Select); coding-DNA position 41, C replaced by T.
Protein change: p.Ala14Val; replaces alanine 14 with valine.
Molecular consequence: missense variant.
Genome position (GRCh38, 1-based): chr2:219,279,874, C>T. VCF-style: chr2-219279874-C-T. GRCh37 (hg19) VCF-style: chr2-220144596-C-T.
Other names: c.41C>T, p.Ala14Val (NM_001039550.2); short protein forms A14V.
Identifiers: ClinVar variation 1496363 (VCV001496363.6), dbSNP rs1340065979, ClinGen allele CA350646076.

ClinVar aggregate classification (germline): Uncertain significance (1 of 4 stars; one submission).

Conditions:
Neuronopathy, distal hereditary motor, autosomal recessive 5. Also called: Spinal muscular atrophy, distal, autosomal recessive, 5; NEUROPATHY, DISTAL HEREDITARY MOTOR, AUTOSOMAL RECESSIVE 5; Young adult-onset distal hereditary motor neuropathy. Identifiers: Orphanet 314485, Orphanet 443950, MedGen C4749918, MONDO:0013947, OMIM 614881.

Allele frequency attached by ClinVar (database versions not stated): TOPMed below 0.00001; gnomAD 0.00001; gnomAD exomes 0.00001.
gnomAD v4.1: 21 of 1,613,846 alleles (0.0013%); highest among the groups gnomAD compares: Non-Finnish European, 0.0018%; no homozygotes.

Submission:

Labcorp Genetics (formerly Invitae), Labcorp
Classification: Uncertain significance for Neuronopathy, distal hereditary motor, autosomal recessive 5. Last evaluated: 2021-07-26. Review status: criteria provided, single submitter. Criteria: Invitae Variant Classification Sherloc (09022015). Collection method: clinical testing. Allele origin: germline.
Comment: In summary, the available evidence is currently insufficient to determine the role of this variant in disease. Therefore, it has been classified as a Variant of Uncertain Significance. This sequence change replaces alanine with valine at codon 14 of the DNAJB2 protein (p.Ala14Val). The alanine residue is moderately conserved and there is a small physicochemical difference between alanine and valine. This variant is not present in population databases (ExAC no frequency). This variant has not been reported in the literature in individuals affected with DNAJB2-related conditions. Algorithms developed to predict the effect of missense changes on protein structure and function are either unavailable or do not agree on the potential impact of this missense change (SIFT: "Tolerated"; PolyPhen-2: "Probably Damaging"; Align-GVGD: "Class C0").